The following is an entry in ClinVar:

NM_001267550.2(TTN):c.75333_75334dup (p.Ser25112fs)

Genes: TTN (titin; minus strand), TTN-AS1 (TTN antisense RNA 1; plus strand). Cytogenetic location: 2q31.2.
Variant type: Duplication.
Coding change: c.75333_75334dup on transcript NM_001267550.2 (MANE Select); coding-DNA positions 75333 to 75334, 2 bases duplicated (AA; older notation c.75333_75334dupAA).
Protein change: p.Ser25112fs; shifts the reading frame from serine 25112.
Molecular consequence: frameshift variant.
Genome position (GRCh38, 1-based): chr2:178,570,798-178,570,799, TT duplicated on the plus strand (AA on the coding strand, the reverse complement: TTN is on the minus strand). VCF-style (leftmost placement, unchanged base first): chr2-178570797-C-CTT. GRCh37 (hg19) VCF-style: chr2-179435524-C-CTT.
Other names: c.70410_70411dup, p.Ser23471fs (NM_001256850.1); c.48138_48139dup, p.Ser16047fs (NM_003319.4); c.67629_67630dup, p.Ser22544fs (NM_133378.4); c.48513_48514dup, p.Ser16172fs (NM_133432.3); c.48714_48715dup, p.Ser16239fs (NM_133437.4); short protein forms S22544fs, S16172fs, S16047fs, S25112fs, S16239fs, S23471fs.
Identifiers: ClinVar variation 1525071 (VCV001525071.8), dbSNP rs2154168819, ClinGen allele CA2573134112.

ClinVar aggregate classification (germline): Likely pathogenic (1 of 4 stars; one submission).

Conditions:
Dilated cardiomyopathy 1G (CMD1G). Identifiers: Orphanet 154, MedGen C1858763, MONDO:0011400, OMIM 604145.
Autosomal recessive limb-girdle muscular dystrophy type 2J (LGMDR10). Also called: Limb-girdle muscular dystrophy, type 2J; MUSCULAR DYSTROPHY, LIMB-GIRDLE, AUTOSOMAL RECESSIVE 10. Identifiers: Orphanet 140922, MedGen C1837342, MONDO:0012127, OMIM 608807.

Submission:

Labcorp Genetics (formerly Invitae), Labcorp
Classification: Likely pathogenic for Dilated cardiomyopathy 1G; Autosomal recessive limb-girdle muscular dystrophy type 2J. Last evaluated: 2021-04-23. Review status: criteria provided, single submitter. Criteria: Invitae Variant Classification Sherloc (09022015). Collection method: clinical testing. Allele origin: germline.
Comment: In summary, the currently available evidence indicates that the variant is pathogenic, but additional data are needed to prove that conclusively. Therefore, this variant has been classified as Likely Pathogenic. This variant is located in the A band of TTN (PMID: 25589632). Truncating variants in this region are significantly overrepresented in patients affected with dilated cardiomyopathy (PMID: 25589632). Truncating variants in this region have also been reported in individuals affected with autosomal recessive centronuclear myopathy (PMID: 23975875). Algorithms developed to predict the effect of sequence changes on RNA splicing suggest that this variant may create or strengthen a splice site, but this prediction has not been confirmed by published transcriptional studies. This variant has not been reported in the literature in individuals with TTN-related conditions. This variant is not present in population databases (ExAC no frequency). This sequence change creates a premature translational stop signal (p.Ser25112Lysfs*36) in the TTN gene. While this is not anticipated to result in nonsense mediated decay, it is expected to create a truncated TTN protein.

Literature cited by the submitters: PubMed 25589632; PubMed 23975875.